The following is an entry in ClinVar:

NM_003060.4(SLC22A5):c.-77G>A

Genes: MIR3936HG (MIR3936 host gene; minus strand), SLC22A5 (solute carrier family 22 member 5; plus strand), LOC129994569 (ATAC-STARR-seq lymphoblastoid silent region 16317; plus strand). Cytogenetic location: 5q31.1.
Variant type: single nucleotide variant.
Coding change: c.-77G>A on transcript NM_003060.4 (MANE Select); 77 bases upstream of the start codon, G replaced by A.
Molecular consequence: 5 prime UTR variant. On other transcripts: non-coding transcript variant (1).
Genome position (GRCh38, 1-based): chr5:132,369,896, G>A. VCF-style: chr5-132369896-G-A. GRCh37 (hg19) VCF-style: chr5-131705588-G-A.
Other names: c.-77G>A (NM_001308122.2).
Identifiers: ClinVar variation 25343 (VCV000025343.12), dbSNP rs13180295, ClinGen allele CA342601.

ClinVar aggregate classification (germline): Benign. Review status: criteria provided, multiple submitters, no conflicts (2 of 4 stars). 5 submissions from 5 submitters: Benign (4). 1 of the submissions does not count toward it. Last evaluated 2021-12-18.

Conditions:
Renal carnitine transport defect (CDSP). Also called: Systemic primary carnitine deficiency; Carnitine transporter deficiency; Primary carnitine deficiency; Carnitine Deficiency, Systemic; Systemic primary carnitine deficiency disease; CARNITINE DEFICIENCY, SYSTEMIC, DUE TO DEFECT IN RENAL REABSORPTION OF CARNITINE. Identifiers: Orphanet 158, MedGen C0342788, MONDO:0008919, OMIM 212140.

Allele frequency attached by ClinVar (database versions not stated): gnomAD exomes 0.07930; 1000 Genomes Project 30x 0.11134; 1000 Genomes Project 0.11881; gnomAD 0.07424 and 0.07657; TOPMed 0.07462.
gnomAD v4.1: 123,769 of 1,563,670 alleles (7.9%); highest among the groups gnomAD compares: East Asian, 29%; 6,147 homozygotes.

Submissions (5):

Women's Health and Genetics/Laboratory Corporation of America, LabCorp
Classification: Benign. Last evaluated: 2021-12-18. Review status: criteria provided, single submitter. Criteria: LabCorp Variant Classification Summary - May 2015. Collection method: clinical testing. Allele origin: germline.
Comment: Variant summary: SLC22A5 c.-77G>A is located in the untranslated mRNA region upstream of the initiation codon. The variant allele was found at a frequency of 0.08 in 31310 control chromosomes in the gnomAD database, including 117 homozygotes. The observed variant frequency is approximately 17.62 fold of the estimated maximal expected allele frequency for a pathogenic variant in SLC22A5 causing Systemic Primary Carnitine Deficiency phenotype (0.0046), strongly suggesting that the variant is benign. Three clinical diagnostic laboratories have submitted clinical-significance assessments for this variant to ClinVar after 2014 without evidence for independent evaluation. All laboratories classified the variant as benign. Based on the evidence outlined above, the variant was classified as benign.

Genome-Nilou Lab
Classification: Benign for Renal carnitine transport defect. Last evaluated: 2021-07-15. Review status: criteria provided, single submitter. Criteria: ACMG Guidelines, 2015. Collection method: clinical testing. Allele origin: germline. Affected: no.

GeneDx
Classification: Benign. Last evaluated: 2018-06-23. Review status: criteria provided, single submitter. Criteria: GeneDx Variant Classification Process June 2021. Collection method: clinical testing. Allele origin: germline. Affected: yes.

Illumina Laboratory Services, Illumina
Classification: Benign for Renal carnitine transport defect. Last evaluated: 2018-01-13. Review status: criteria provided, single submitter. Criteria: ICSL Variant Classification Criteria 13 December 2019. Collection method: clinical testing. Allele origin: germline.
Comment: This variant was observed in the ICSL laboratory as part of a predisposition screen in an ostensibly healthy population. It had not been previously curated by ICSL or reported in the Human Gene Mutation Database (HGMD: prior to June 1st, 2018), and was therefore a candidate for classification through an automated scoring system. Utilizing variant allele frequency, disease prevalence and penetrance estimates, and inheritance mode, an automated score was calculated to assess if this variant is too frequent to cause the disease. Based on the score and internal cut-off values, a variant classified as benign is not then subjected to further curation. The score for this variant resulted in a classification of benign for this disease.

Counsyl
Classification: Benign for Renal carnitine transport defect. Last evaluated: 2018-04-19. Review status: no assertion criteria provided. Collection method: clinical testing. Allele origin: unknown. Not counted in ClinVar's aggregate classification.

Literature cited by the submitters: PubMed 16830263 (cited by Counsyl); PubMed 20208395 (cited by Counsyl).